The following is an entry in ClinVar:

NM_000038.6(APC):c.917G>C (p.Ser306Thr)

Gene: APC (APC regulator of Wnt signaling pathway; plus strand). Cytogenetic location: 5q22.2.
Variant type: single nucleotide variant.
Coding change: c.917G>C on transcript NM_000038.6 (MANE Select); coding-DNA position 917, G replaced by C.
Protein change: p.Ser306Thr; replaces serine 306 with threonine.
Molecular consequence: missense variant. On other transcripts: non-coding transcript variant (2).
Genome position (GRCh38, 1-based): chr5:112,815,577, G>C. VCF-style: chr5-112815577-G-C. GRCh37 (hg19) VCF-style: chr5-112151274-G-C.
Other names: c.917G>C, p.Ser306Thr (NM_001354903.2, NM_001407447.1, NM_001407448.1 and 12 more transcripts); c.842G>C, p.Ser281Thr (NM_001354904.2, NM_001407451.1, NM_001354898.2); c.740G>C, p.Ser247Thr (NM_001354905.2, NM_001407453.1, NM_001354900.2 and 1 more transcripts); c.68G>C, p.Ser23Thr (NM_001354906.2, NM_001407470.1, NM_001407471.1 and 1 more transcripts); c.947G>C, p.Ser316Thr (NM_001407446.1, NM_001354897.2, NM_001354902.2); c.863G>C, p.Ser288Thr (NM_001127511.3); c.833G>C, p.Ser278Thr (NM_001354899.2, NM_001407452.1, NM_001407467.1 and 1 more transcripts); short protein forms S247T, S306T, S23T, S278T, S281T, S316T, S288T.
Identifiers: ClinVar variation 5025982 (VCV005025982.1).

ClinVar aggregate classification (germline): Uncertain significance (1 of 4 stars; one submission).

Conditions:
Hereditary cancer-predisposing syndrome. Also called: Neoplastic Syndromes, Hereditary; Tumor predisposition; Hereditary neoplastic syndrome; Hereditary Cancer Syndrome. Identifiers: Orphanet 140162, MedGen C0027672, MeSH D009386, MONDO:0015356.

Submission:

Ambry Genetics
Classification: Uncertain significance for Hereditary cancer-predisposing syndrome. Last evaluated: 2026-08-28. Review status: criteria provided, single submitter. Criteria: Ambry Variant Classification Scheme 2023. Collection method: clinical testing. Allele origin: germline.
Comment: The p.S306T variant (also known as c.917G>C), located in coding exon 8 of the APC gene, results from a G to C substitution at nucleotide position 917. The serine at codon 306 is replaced by threonine, an amino acid with similar properties. This amino acid position is conserved. In addition, in silico predictors for this gene do not accurately predict pathogenicity. Based on the available evidence, the clinical significance of this variant remains unclear.